The following is an entry in ClinVar:

ClinVar aggregate classification (germline): Uncertain significance (1 of 4 stars; one submission).

Conditions:
ALG6-congenital disorder of glycosylation 1C (CDG1C). Also called: CDG Ic; CARBOHYDRATE-DEFICIENT GLYCOPROTEIN SYNDROME, TYPE I, WITH DEFICIENT GLYCOSYLATION OF DOLICHOL-LINKED OLIGOSACCHARIDE; CARBOHYDRATE-DEFICIENT GLYCOPROTEIN SYNDROME, TYPE V; Congenital disorder of glycosylation type 1C; Congenital disorder of glycosylation, type Ic. Identifiers: Orphanet 79320, MedGen C2930997, MONDO:0011291, OMIM 603147.

Submission:

Labcorp Genetics (formerly Invitae), Labcorp
Classification: Uncertain significance for ALG6-congenital disorder of glycosylation 1C. Last evaluated: 2022-05-16. Review status: criteria provided, single submitter. Criteria: Invitae Variant Classification Sherloc (09022015). Collection method: clinical testing. Allele origin: germline.
Comment: This variant has not been reported in the literature in individuals affected with ALG6-related conditions. Algorithms developed to predict the effect of sequence changes on RNA splicing suggest that this variant may disrupt the consensus splice site. In summary, the available evidence is currently insufficient to determine the role of this variant in disease. Therefore, it has been classified as a Variant of Uncertain Significance. This variant is not present in population databases (gnomAD no frequency). This sequence change falls in intron 8 of the ALG6 gene. It does not directly change the encoded amino acid sequence of the ALG6 protein.

NM_013339.4(ALG6):c.681-18C>G

Gene: ALG6 (ALG6 alpha-1,3-glucosyltransferase; plus strand). Cytogenetic location: 1p31.3.
Variant type: single nucleotide variant.
Coding change: c.681-18C>G on transcript NM_013339.4 (MANE Select); 18 bases into the intron before coding-DNA position 681, C replaced by G.
Molecular consequence: intron variant.
Genome position (GRCh38, 1-based): chr1:63,411,908, C>G. VCF-style: chr1-63411908-C-G. GRCh37 (hg19) VCF-style: chr1-63877579-C-G.
Identifiers: ClinVar variation 2167544 (VCV002167544.4), dbSNP rs1184314485, ClinGen allele CA2580063198.
Genomic context (GRCh38, chr1:63,411,908, plus strand): 5'-GTTCAGTGAGACTCAGGTTGATTTTGCAGAATTACTGACCTTTCCCTATCTTACTGCCTA[C>G]CTTTGTTTTTGTTTTAGGTTTGTGTTGCTAGTTAAGCTAGCTTGTATTGTTGTGGCTTCC-3'